The following is an entry in ClinVar:

ClinVar aggregate classification (germline): Conflicting classifications of pathogenicity. Review status: criteria provided, conflicting classifications (1 of 4 stars). 2 submissions from 2 submitters: Likely pathogenic (1); Uncertain significance (1). Last evaluated 2025-05-12.

Conditions:
Hereditary factor IX deficiency disease (HEMB). Also called: F9 DEFICIENCY; FACTOR IX DEFICIENCY; Christmas Disease; PLASMA THROMBOPLASTIN COMPONENT DEFICIENCY; Hemophilia B. Identifiers: Orphanet 98879, MedGen C0008533, MeSH D002836, MONDO:0010604, OMIM 306900.

Allele frequency attached by ClinVar (database versions not stated): ExAC 0.00001; gnomAD 0.00001; gnomAD exomes 0.00001 and 0.00002; TOPMed 0.00002.
gnomAD v4.1: 17 of 1,209,034 alleles (0.0014%); highest among the groups gnomAD compares: Non-Finnish European, 0.00034%; no homozygotes.

Submissions (2):

Women's Health and Genetics/Laboratory Corporation of America, LabCorp
Classification: Uncertain significance. Last evaluated: 2025-05-12. Review status: criteria provided, single submitter. Criteria: LabCorp Variant Classification Summary - May 2015. Collection method: clinical testing. Allele origin: germline.
Comment: Variant summary: F8 c.1093T>C (p.Tyr365His) results in a conservative amino acid change in the encoded protein sequence. Algorithms developed to predict the effect of missense changes on protein structure and function are either unavailable or do not agree on the potential impact of this missense change. The variant allele was found at a frequency of 2.2e-05 in 183367 control chromosomes (gnomAD). The available data on variant occurrences in the general population are insufficient to allow any conclusion about variant significance. c.1093T>C has been observed in individuals affected with Factor VIII Deficiency (Hemophilia A) (Eckhardt_2013, Rydz_2013, Downes_2019, Stefanucci_2023). These reports do not provide unequivocal conclusions about association of the variant with Factor VIII Deficiency (Hemophilia A). To our knowledge, no experimental evidence demonstrating an impact on protein function has been reported. The following publications have been ascertained in the context of this evaluation (PMID: 31064749, 23926300, 23913812, 37647632). ClinVar contains an entry for this variant (Variation ID: 626968). Based on the evidence outlined above, the variant was classified as uncertain significance.

NIHR Bioresource Rare Diseases, University of Cambridge
Classification: Likely pathogenic for Hereditary factor IX deficiency disease. Last evaluated: 2019-02-01. Review status: criteria provided, single submitter. Criteria: ACMG Guidelines, 2015. Collection method: research. Allele origin: unknown. Affected: yes. Observed: 1 hemizygote. Study: ThromboGenomics.

Literature cited by the submitters: PubMed 31064749 (cited by Women's Health and Genetics/Laboratory Corporation of America, LabCorp and NIHR Bioresource Rare Diseases, University of Cambridge); PubMed 23926300 (cited by Women's Health and Genetics/Laboratory Corporation of America, LabCorp); PubMed 23913812 (cited by Women's Health and Genetics/Laboratory Corporation of America, LabCorp); PubMed 37647632 (cited by Women's Health and Genetics/Laboratory Corporation of America, LabCorp).

NM_000132.4(F8):c.1093T>C (p.Tyr365His)

Gene: F8 (coagulation factor VIII; minus strand). Cytogenetic location: Xq28.
Variant type: single nucleotide variant.
Coding change: c.1093T>C on transcript NM_000132.4 (MANE Select); coding-DNA position 1093, T replaced by C.
Protein change: p.Tyr365His; replaces tyrosine 365 with histidine.
Molecular consequence: missense variant.
Genome position (GRCh38, 1-based): chrX:154,966,604, A>G on the plus strand (T>C on the coding strand, the complement: F8 is on the minus strand). VCF-style: chrX-154966604-A-G. GRCh37 (hg19) VCF-style: chrX-154194879-A-G.
Other names: short protein forms Y365H.
Identifiers: ClinVar variation 626968 (VCV000626968.3), dbSNP rs782216863, ClinGen allele CA10568502.